The following is an entry in ClinVar:

ClinVar aggregate classification (germline): Likely benign. Review status: reviewed by expert panel (3 of 4 stars). 6 submissions from 6 submitters: Likely benign (1). 5 of the submissions do not count toward it. Last evaluated 2019-11-04.

Conditions:
Noonan syndrome and Noonan-related syndrome. Identifiers: Orphanet 98733, MedGen C5681679, MONDO:0020297.
Cardiovascular phenotype. Identifiers: MedGen CN230736.
RASopathy. Also called: Noonan spectrum disorder; rasopathies. Identifiers: Orphanet 536391, MedGen C5555857, MONDO:0021060.

Allele frequency attached by ClinVar (database versions not stated): ExAC 0.00001; gnomAD 0.00002; gnomAD exomes 0.00002; TOPMed 0.00004.
gnomAD v4.1: 30 of 1,601,674 alleles (0.0019%); highest among the groups gnomAD compares: Non-Finnish European, 0.0024%; no homozygotes.

Submissions (6):

ClinGen RASopathy Variant Curation Expert Panel
Classification: Likely benign for RASopathy. Last evaluated: 2019-11-04. Review status: reviewed by expert panel. Criteria: ClinGen RASopathy ACMG Specifications v1. Collection method: curation. Allele origin: germline. Inheritance: Autosomal dominant inheritance.
Comment: The c.39A>G (p.Glu13Glu) variant in SOS1 is classified as likely benign because it does not alter an amino acid residue, is not located within the splice consensus site, and computational splice prediction tools do not predict an impact on splicing (BP4, BP7). It has been identified in 0.004165% (5/120058) of non-Finnish European chromosomes in gnomAD (BS1 not met). This variant was observed in several individuals with varying clinical presentations that lacked clear associations with a RASopathy. In summary, this variant meets criteria to be classified as likely benign. ACMG/AMP criteria applied: BP4, BP7.

CeGaT Center for Human Genetics Tuebingen
Classification: Likely benign. Last evaluated: 2026-01-01. Review status: criteria provided, single submitter. Criteria: CeGaT Center For Human Genetics Tuebingen Variant Classification Criteria Version 2. Collection method: clinical testing. Allele origin: germline. Affected: yes. Observed: 2 variant alleles. Not counted in ClinVar's aggregate classification.
Comment: SOS1: BP4, BP7

Labcorp Genetics (formerly Invitae), Labcorp
Classification: Likely benign for RASopathy. Last evaluated: 2025-03-03. Review status: criteria provided, single submitter. Criteria: Invitae Variant Classification Sherloc (09022015). Collection method: clinical testing. Allele origin: germline. Not counted in ClinVar's aggregate classification.

Ambry Genetics
Classification: Likely benign for Cardiovascular phenotype. Last evaluated: 2019-07-07. Review status: criteria provided, single submitter. Criteria: Ambry Variant Classification Scheme 2023. Collection method: clinical testing. Allele origin: germline. Not counted in ClinVar's aggregate classification.

Genome Diagnostics Laboratory, The Hospital for Sick Children
Classification: Uncertain significance for Noonan syndrome and Noonan-related syndrome. Last evaluated: 2018-08-01. Review status: criteria provided, single submitter. Criteria: ACMG Guidelines, 2015. Collection method: clinical testing. Allele origin: germline. Not counted in ClinVar's aggregate classification.

Eurofins Ntd Llc (ga)
Classification: Uncertain significance. Last evaluated: 2015-08-21. Review status: criteria provided, single submitter. Criteria: EGL Classification Definitions 2015. Collection method: clinical testing. Allele origin: germline. Observed: 1 variant allele, 1 heterozygote. Not counted in ClinVar's aggregate classification.

NM_005633.4(SOS1):c.39A>G (p.Glu13=)

Genes: SOS1 (SOS Ras/Rac guanine nucleotide exchange factor 1; minus strand), LOC129933535 (ATAC-STARR-seq lymphoblastoid silent region 11384; plus strand). Cytogenetic location: 2p22.1.
Variant type: single nucleotide variant.
Coding change: c.39A>G on transcript NM_005633.4 (MANE Select); coding-DNA position 39, A replaced by G.
Protein change: p.Glu13=; no amino-acid change (glutamic acid 13 retained).
Molecular consequence: synonymous variant. On other transcripts: intron variant (1).
Genome position (GRCh38, 1-based): chr2:39,120,384, T>C on the plus strand (A>G on the coding strand, the complement: SOS1 is on the minus strand). VCF-style: chr2-39120384-T-C. GRCh37 (hg19) VCF-style: chr2-39347525-T-C.
Other names: c.39A>G (NM_005633.3); c.39A>G, p.Glu13= (NM_001382395.1); c.66+4280A>G (NM_001382394.1).
Identifiers: ClinVar variation 282591 (VCV000282591.44), dbSNP rs763337946, ClinGen allele CA1624896.